The following is an entry in ClinVar:

ClinVar aggregate classification (germline): Likely benign. Review status: criteria provided, multiple submitters, no conflicts (2 of 4 stars). 4 submissions from 4 submitters: Likely benign (3). 1 of the submissions does not count toward it. Last evaluated 2026-01-13.

Conditions:
Dystonia 23 (DYT23). Identifiers: Orphanet 420492, MedGen C3538999, MONDO:0013928, OMIM 614860.
CACNA1B-related disorder. Also called: CACNA1B-related condition.

Allele frequency attached by ClinVar (database versions not stated): gnomAD exomes 0.00008; TOPMed 0.00020; gnomAD 0.00025; ESP Exome Variant Server 0.00032; 1000 Genomes Project 30x 0.00047; 1000 Genomes Project 0.00060.
gnomAD v4.1: 127 of 1,613,306 alleles (0.0079%); highest among the groups gnomAD compares: African/African-American, 0.099%; 1 homozygote.

Submissions (4):

Labcorp Genetics (formerly Invitae), Labcorp
Classification: Likely benign. Last evaluated: 2026-01-13. Review status: criteria provided, single submitter. Criteria: Invitae Variant Classification Sherloc (09022015). Collection method: clinical testing. Allele origin: germline.

Blueprint Genetics
Classification: Likely benign. Last evaluated: 2024-10-08. Review status: criteria provided, single submitter. Criteria: ACMG Guidelines, 2015. Collection method: clinical testing. Allele origin: germline.

Knight Diagnostic Laboratories, Oregon Health and Sciences University
Classification: Likely benign for Dystonia 23. Last evaluated: 2019-12-13. Review status: criteria provided, single submitter. Criteria: ACMG Guidelines, 2015. Collection method: clinical testing. Allele origin: germline. Observed: 1 variant allele.

PreventionGenetics, part of Exact Sciences
Classification: Likely benign for CACNA1B-related condition. Last evaluated: 2019-03-21. Review status: no assertion criteria provided. Collection method: clinical testing. Allele origin: germline. Not counted in ClinVar's aggregate classification.
Comment: This variant is classified as likely benign based on ACMG/AMP sequence variant interpretation guidelines (Richards et al. 2015 PMID: 25741868, with internal and published modifications).

NM_000718.4(CACNA1B):c.6840C>T (p.Phe2280=)

Gene: CACNA1B (calcium voltage-gated channel subunit alpha1 B; plus strand). Cytogenetic location: 9q34.3.
Variant type: single nucleotide variant.
Coding change: c.6840C>T on transcript NM_000718.4 (MANE Select); coding-DNA position 6840, C replaced by T.
Protein change: p.Phe2280=; no amino-acid change (phenylalanine 2280 retained).
Molecular consequence: synonymous variant. On other transcripts: missense variant (1).
Genome position (GRCh38, 1-based): chr9:138,121,819, C>T. VCF-style: chr9-138121819-C-T. GRCh37 (hg19) VCF-style: chr9-141016271-C-T.
Other names: c.6653C>T, p.Ser2218Leu (NM_001243812.2); c.6653C>T (NM_001243812.1); short protein forms S2218L.
Identifiers: ClinVar variation 797749 (VCV000797749.14), dbSNP rs201383337, ClinGen allele CA5377819.